The following is an entry in ClinVar:

ClinVar aggregate classification (germline): Uncertain significance. Review status: criteria provided, single submitter (1 of 4 stars). 2 submissions from 2 submitters: Uncertain significance (1). 1 of the submissions does not count toward it. Last evaluated 2024-12-05.

Conditions:
TRPC5-related disorder. Also called: TRPC5-related condition.

Allele frequency attached by ClinVar (database versions not stated): TOPMed 0.00001; gnomAD 0.00002; gnomAD exomes 0.00004.

Submissions (2):

Ambry Genetics
Classification: Uncertain significance. Last evaluated: 2024-12-05. Review status: criteria provided, single submitter. Criteria: Ambry Variant Classification Scheme 2023. Collection method: clinical testing. Allele origin: germline.

PreventionGenetics, part of Exact Sciences
Classification: Uncertain significance for TRPC5-related condition. Last evaluated: 2024-06-23. Review status: no assertion criteria provided. Collection method: clinical testing. Allele origin: germline. Not counted in ClinVar's aggregate classification.
Comment: The TRPC5 c.367G>A variant is predicted to result in the amino acid substitution p.Gly123Arg. To our knowledge, this variant has not been reported in the literature. This variant is reported in 0.0037% of alleles in individuals of Latino descent in gnomAD, including one hemizygote. At this time, the clinical significance of this variant is uncertain due to the absence of conclusive functional and genetic evidence.

NM_012471.3(TRPC5):c.367G>A (p.Gly123Arg)

Gene: TRPC5 (transient receptor potential cation channel subfamily C member 5; minus strand). Cytogenetic location: Xq23.
Variant type: single nucleotide variant.
Coding change: c.367G>A on transcript NM_012471.3 (MANE Select); coding-DNA position 367, G replaced by A.
Protein change: p.Gly123Arg; replaces glycine 123 with arginine.
Molecular consequence: missense variant.
Genome position (GRCh38, 1-based): chrX:111,952,054, C>T on the plus strand (G>A on the coding strand, the complement: TRPC5 is on the minus strand). VCF-style: chrX-111952054-C-T. GRCh37 (hg19) VCF-style: chrX-111195282-C-T.
Other names: short protein forms G123R.
Identifiers: ClinVar variation 2636855 (VCV002636855.3), dbSNP rs755743430, ClinGen allele CA334461805.